The following is an entry in ClinVar:

ClinVar aggregate classification (germline): Conflicting classifications of pathogenicity. Review status: criteria provided, conflicting classifications (1 of 4 stars). 5 submissions from 4 submitters: Uncertain significance (4); Likely benign (1). Last evaluated 2024-11-19.

Conditions:
Neurofibromatosis, type 1 (NF1). Also called: Neurofibromatosis, type I; VON RECKLINGHAUSEN DISEASE; NEUROFIBROMATOSIS, TYPE I, SOMATIC; Peripheral type neurofibromatosis. Identifiers: Orphanet 636, MedGen C0027831, MONDO:0018975, OMIM 162200. Disease mechanism: loss of function.
Hereditary cancer-predisposing syndrome. Also called: Hereditary Cancer Syndrome; Neoplastic Syndromes, Hereditary; Tumor predisposition; Hereditary neoplastic syndrome. Identifiers: Orphanet 140162, MedGen C0027672, MeSH D009386, MONDO:0015356.
Cardiovascular phenotype. Identifiers: MedGen CN230736.
Juvenile myelomonocytic leukemia (JMML). Also called: LEUKEMIA, JUVENILE MYELOMONOCYTIC, SOMATIC. Identifiers: Orphanet 86834, MedGen C0349639, MONDO:0011908, OMIM 607785, HP:0012209.

gnomAD v4.1: 2 of 1,613,850 alleles (0.00012%); highest among the groups gnomAD compares: Non-Finnish European, 0.00017%; no homozygotes.

Submissions (5):

Labcorp Genetics (formerly Invitae), Labcorp
Classification: Uncertain significance for Neurofibromatosis, type 1. Last evaluated: 2024-11-19. Review status: criteria provided, single submitter. Criteria: Invitae Variant Classification Sherloc (09022015). Collection method: clinical testing. Allele origin: germline.
Comment: This sequence change replaces asparagine, which is neutral and polar, with histidine, which is basic and polar, at codon 730 of the NF1 protein (p.Asn730His). The frequency data for this variant in the population databases is considered unreliable, as metrics indicate poor data quality at this position in the gnomAD database. This variant has not been reported in the literature in individuals affected with NF1-related conditions. ClinVar contains an entry for this variant (Variation ID: 229999). Invitae Evidence Modeling of protein sequence and biophysical properties (such as structural, functional, and spatial information, amino acid conservation, physicochemical variation, residue mobility, and thermodynamic stability) indicates that this missense variant is not expected to disrupt NF1 protein function with a negative predictive value of 95%. In summary, the available evidence is currently insufficient to determine the role of this variant in disease. Therefore, it has been classified as a Variant of Uncertain Significance.

Ambry Genetics
Classification: Likely benign for Cardiovascular phenotype; Hereditary cancer-predisposing syndrome. Last evaluated: 2023-12-04. Review status: criteria provided, single submitter. Criteria: Ambry Variant Classification Scheme 2023. Collection method: clinical testing. Allele origin: germline.

Baylor Genetics
Classification: Uncertain significance for Juvenile myelomonocytic leukemia. Last evaluated: 2023-09-20. Review status: criteria provided, single submitter. Criteria: ACMG Guidelines, 2015. Collection method: clinical testing. Allele origin: unknown.

Genome-Nilou Lab
Classification: Uncertain significance for Neurofibromatosis, type 1. Last evaluated: 2022-03-15. Review status: criteria provided, single submitter. Criteria: ACMG Guidelines, 2015. Collection method: clinical testing. Allele origin: germline. Affected: no.

Ambry Genetics
Classification: Uncertain significance for Hereditary cancer-predisposing syndrome. Last evaluated: 2015-11-10. Review status: criteria provided, single submitter. Criteria: Ambry Autosomal Dominant and X-Linked criteria (10/2015). Collection method: clinical testing. Allele origin: germline. Observed: 1 variant allele.
Comment: The p.N730H variant (also known as c.2188A>C), located in coding exon 18 of the NF1 gene, results from an A to C substitution at nucleotide position 2188. The asparagine at codon 730 is replaced by histidine, an amino acid with similar properties. This variant was not reported in population based cohorts in the following databases: Database of Single Nucleotide Polymorphisms (dbSNP), NHLBI Exome Sequencing Project (ESP), and 1000 Genomes Project. In the ESP, this variant was not observed in 6503 samples (13006 alleles) with coverage at this position. To date, this alteration has been detected with an allele frequency of approximately 0.002% (greater than 110000alleles tested) in our clinical cohort.This amino acid position is not well conserved in available vertebrate species. In addition, this alteration is predicted to be tolerated by in silico analysis.Since supporting evidence is limited at this time, the clinical significance of p.N730Hremains unclear.

NM_001042492.3(NF1):c.2188A>C (p.Asn730His)

Gene: NF1 (neurofibromin 1; plus strand). Cytogenetic location: 17q11.2.
Variant type: single nucleotide variant.
Coding change: c.2188A>C on transcript NM_001042492.3 (MANE Select); coding-DNA position 2188, A replaced by C.
Protein change: p.Asn730His; replaces asparagine 730 with histidine.
Molecular consequence: missense variant.
Genome position (GRCh38, 1-based): chr17:31,226,621, A>C. VCF-style: chr17-31226621-A-C. GRCh37 (hg19) VCF-style: chr17-29553639-A-C.
Other names: c.2188A>C, p.Asn730His (NM_000267.4); short protein forms N730H.
Identifiers: ClinVar variation 229999 (VCV000229999.11), dbSNP rs758893131, ClinGen allele CA10580245.